The following is an entry in ClinVar:

ClinVar aggregate classification (germline): Uncertain significance (1 of 4 stars; one submission).

Submission:

Labcorp Genetics (formerly Invitae), Labcorp
Classification: Uncertain significance. Last evaluated: 2024-11-05. Review status: criteria provided, single submitter. Criteria: Invitae Variant Classification Sherloc (09022015). Collection method: clinical testing. Allele origin: germline.
Comment: This sequence change replaces phenylalanine, which is neutral and non-polar, with leucine, which is neutral and non-polar, at codon 906 of the KIAA0753 protein (p.Phe906Leu). This variant is not present in population databases (gnomAD no frequency). This variant has not been reported in the literature in individuals affected with KIAA0753-related conditions. ClinVar contains an entry for this variant (Variation ID: 1715949). An algorithm developed to predict the effect of missense changes on protein structure and function (PolyPhen-2) suggests that this variant is likely to be disruptive. In summary, the available evidence is currently insufficient to determine the role of this variant in disease. Therefore, it has been classified as a Variant of Uncertain Significance.

NM_014804.3(KIAA0753):c.2718T>A (p.Phe906Leu)

Gene: KIAA0753 (KIAA0753; minus strand). Cytogenetic location: 17p13.1.
Variant type: single nucleotide variant.
Coding change: c.2718T>A on transcript NM_014804.3 (MANE Select); coding-DNA position 2718, T replaced by A.
Protein change: p.Phe906Leu; replaces phenylalanine 906 with leucine.
Molecular consequence: missense variant. On other transcripts: non-coding transcript variant (3).
Genome position (GRCh38, 1-based): chr17:6,589,847, A>T on the plus strand (T>A on the coding strand, the complement: KIAA0753 is on the minus strand). VCF-style: chr17-6589847-A-T. GRCh37 (hg19) VCF-style: chr17-6493167-A-T.
Other names: c.1821T>A, p.Phe607Leu (NM_001351225.2); short protein forms F607L, F906L.
Identifiers: ClinVar variation 1715949 (VCV001715949.5), dbSNP rs2544262412, ClinGen allele CA397403585.